The following is an entry in ClinVar:

NM_000744.7(CHRNA4):c.38_52del (p.Pro13_Leu17del)

Genes: CHRNA4 (cholinergic receptor nicotinic alpha 4 subunit; minus strand), LOC100130587 (uncharacterized LOC100130587; plus strand). Cytogenetic location: 20q13.33.
Variant type: Deletion.
Coding change: c.38_52del on transcript NM_000744.7 (MANE Select); coding-DNA positions 38 to 52, 15 bases deleted (CGCCGCTGCTGCTGC).
Protein change: p.Pro13_Leu17del.
Molecular consequence: inframe deletion. On other transcripts: non-coding transcript variant (1), intron variant (1).
Genome position (GRCh38, 1-based): chr20:63,361,114-63,361,128, GCAGCAGCAGCGGCG deleted on the plus strand (CGCCGCTGCTGCTGC on the coding strand, the reverse complement: CHRNA4 is on the minus strand); deleting any 15 consecutive bases within chr20:63,361,114-63,361,136 gives the same sequence; the c. name uses the placement nearest the transcript's 3' end. VCF-style (leftmost placement, unchanged base first): chr20-63361113-AGCAGCAGCAGCGGCG-A. GRCh37 (hg19) VCF-style: chr20-61992465-AGCAGCAGCAGCGGCG-A.
Other names: c.-471+49_-471+63del (NM_001256573.2).
Identifiers: ClinVar variation 1307578 (VCV001307578.8), dbSNP rs771936944, ClinGen allele CA511210479.

ClinVar aggregate classification (germline): Uncertain significance. Review status: criteria provided, multiple submitters, no conflicts (2 of 4 stars). 2 submissions from 2 submitters: Uncertain significance (2). Last evaluated 2023-09-18.

Conditions:
Familial sleep-related hypermotor epilepsy. Also called: Autosomal Dominant Sleep-Related Hypermotor (Hyperkinetic) Epilepsy. Identifiers: Orphanet 98784, MedGen C3696898, MONDO:0000030.

Submissions (2):

GeneDx
Classification: Uncertain significance. Last evaluated: 2023-09-18. Review status: criteria provided, single submitter. Criteria: GeneDx Variant Classification Process June 2021. Collection method: clinical testing. Allele origin: germline. Affected: yes.
Comment: Not observed in large population cohorts (gnomAD); In-frame deletion of 5 amino acids in a non-repeat region; In silico analysis supports that this variant does not alter protein structure/function; Has not been previously published as pathogenic or benign to our knowledge

Labcorp Genetics (formerly Invitae), Labcorp
Classification: Uncertain significance. Last evaluated: 2023-05-16. Review status: criteria provided, single submitter. Criteria: Invitae Variant Classification Sherloc (09022015). Collection method: clinical testing. Allele origin: germline.
Comment: In summary, the available evidence is currently insufficient to determine the role of this variant in disease. Therefore, it has been classified as a Variant of Uncertain Significance. Experimental studies and prediction algorithms are not available or were not evaluated, and the functional significance of this variant is currently unknown. ClinVar contains an entry for this variant (Variation ID: 1307578). This variant has not been reported in the literature in individuals affected with CHRNA4-related conditions. This variant is not present in population databases (gnomAD no frequency). This variant, c.38_52del, results in the deletion of 5 amino acid(s) of the CHRNA4 protein (p.Pro13_Leu17del), but otherwise preserves the integrity of the reading frame.